The following is an entry in ClinVar:

ClinVar aggregate classification (germline): Uncertain significance. Review status: criteria provided, single submitter (1 of 4 stars). 2 submissions from 2 submitters: Uncertain significance (1). 1 of the submissions does not count toward it. Last evaluated 2025-08-04.

Conditions:
TBX3-related disorder. Also called: TBX3-related condition.
Ulnar-mammary syndrome (UMS). Also called: Ulnar-mammary syndrome of Pallister; PALLISTER ULNAR-MAMMARY SYNDROME; SCHINZEL SYNDROME. Identifiers: Orphanet 3138, MedGen C1866994, MONDO:0008411, OMIM 181450.

gnomAD v4.1: 5 of 1,574,872 alleles (0.00032%); highest among the groups gnomAD compares: African/African-American, 0.0013%; no homozygotes.

Submissions (2):

Labcorp Genetics (formerly Invitae), Labcorp
Classification: Uncertain significance for Ulnar-mammary syndrome. Last evaluated: 2025-08-04. Review status: criteria provided, single submitter. Criteria: Invitae Variant Classification Sherloc (09022015). Collection method: clinical testing. Allele origin: germline.
Comment: This sequence change replaces alanine, which is neutral and non-polar, with valine, which is neutral and non-polar, at codon 591 of the TBX3 protein (p.Ala591Val). This variant is not present in population databases (gnomAD no frequency). This variant has not been reported in the literature in individuals affected with TBX3-related conditions. ClinVar contains an entry for this variant (Variation ID: 3346772). An algorithm developed to predict the effect of missense changes on protein structure and function (PolyPhen-2) suggests that this variant is likely to be tolerated. In summary, the available evidence is currently insufficient to determine the role of this variant in disease. Therefore, it has been classified as a Variant of Uncertain Significance.

PreventionGenetics, part of Exact Sciences
Classification: Uncertain significance for TBX3-related condition. Last evaluated: 2024-07-25. Review status: no assertion criteria provided. Collection method: clinical testing. Allele origin: germline. Not counted in ClinVar's aggregate classification.
Comment: The TBX3 c.1832C>T variant is predicted to result in the amino acid substitution p.Ala611Val. To our knowledge, this variant has not been reported in the literature or in a large population database, indicating this variant is rare. At this time, the clinical significance of this variant is uncertain due to the absence of conclusive functional and genetic evidence.

NM_005996.4(TBX3):c.1772C>T (p.Ala591Val)

Gene: TBX3 (T-box transcription factor 3; minus strand). Cytogenetic location: 12q24.21.
Variant type: single nucleotide variant.
Coding change: c.1772C>T on transcript NM_005996.4 (MANE Select); coding-DNA position 1772, C replaced by T.
Protein change: p.Ala591Val; replaces alanine 591 with valine.
Molecular consequence: missense variant.
Genome position (GRCh38, 1-based): chr12:114,672,241, G>A on the plus strand (C>T on the coding strand, the complement: TBX3 is on the minus strand). VCF-style: chr12-114672241-G-A. GRCh37 (hg19) VCF-style: chr12-115110046-G-A.
Other names: c.1832C>T, p.Ala611Val (NM_016569.4); short protein forms A591V, A611V.
Identifiers: ClinVar variation 3346772 (VCV003346772.2).